The following is an entry in ClinVar:

NM_182914.3(SYNE2):c.8218A>G (p.Ile2740Val)

Gene: SYNE2 (spectrin repeat containing nuclear envelope protein 2; plus strand). Cytogenetic location: 14q23.2.
Variant type: single nucleotide variant.
Coding change: c.8218A>G on transcript NM_182914.3 (MANE Select); coding-DNA position 8218, A replaced by G.
Protein change: p.Ile2740Val; replaces isoleucine 2740 with valine.
Molecular consequence: missense variant.
Genome position (GRCh38, 1-based): chr14:64,052,131, A>G. VCF-style: chr14-64052131-A-G. GRCh37 (hg19) VCF-style: chr14-64518849-A-G.
Other names: c.8218A>G, p.Ile2740Val (NM_015180.6); short protein forms I2740V.
Identifiers: ClinVar variation 4749317 (VCV004749317.1).

ClinVar aggregate classification (germline): Uncertain significance (1 of 4 stars; one submission).

Conditions:
Emery-Dreifuss muscular dystrophy 5, autosomal dominant (EDMD5). Also called: EMERY-DREIFUSS MUSCULAR DYSTROPHY 5. Identifiers: Orphanet 261, MedGen C2751805, MONDO:0013072, OMIM 612999.

gnomAD v4.1: 9 of 1,614,072 alleles (0.00056%); highest among the groups gnomAD compares: East Asian, 0.011%; no homozygotes.

Submission:

Labcorp Genetics (formerly Invitae), Labcorp
Classification: Uncertain significance for Emery-Dreifuss muscular dystrophy 5, autosomal dominant. Last evaluated: 2025-04-09. Review status: criteria provided, single submitter. Criteria: Invitae Variant Classification Sherloc (09022015). Collection method: clinical testing. Allele origin: germline.
Comment: This sequence change replaces isoleucine, which is neutral and non-polar, with valine, which is neutral and non-polar, at codon 2740 of the SYNE2 protein (p.Ile2740Val). This variant is present in population databases (no rsID available, gnomAD 0.005%). This variant has not been reported in the literature in individuals affected with SYNE2-related conditions. An algorithm developed to predict the effect of missense changes on protein structure and function outputs the following: PolyPhen-2: "Benign". The valine amino acid residue is found in multiple mammalian species, which suggests that this missense change does not adversely affect protein function. In summary, the available evidence is currently insufficient to determine the role of this variant in disease. Therefore, it has been classified as a Variant of Uncertain Significance.